The following is an entry in ClinVar:

NM_001367624.2(ZNF469):c.7970C>T (p.Ser2657Leu)

Gene: ZNF469 (zinc finger protein 469; plus strand). Cytogenetic location: 16q24.2.
Variant type: single nucleotide variant.
Coding change: c.7970C>T on transcript NM_001367624.2 (MANE Select); coding-DNA position 7970, C replaced by T.
Protein change: p.Ser2657Leu; replaces serine 2657 with leucine.
Molecular consequence: missense variant.
Genome position (GRCh38, 1-based): chr16:88,435,440, C>T. VCF-style: chr16-88435440-C-T. GRCh37 (hg19) VCF-style: chr16-88501848-C-T.
Other names: NM_001127464.1:c.7886C>T; short protein forms S2657L.
Identifiers: ClinVar variation 1306916 (VCV001306916.2), dbSNP rs2142311695, ClinGen allele CA397115542.

ClinVar aggregate classification (germline): Uncertain significance (1 of 4 stars; one submission).

gnomAD v4.1: 2 of 1,550,118 alleles (0.00013%); highest among the groups gnomAD compares: Non-Finnish European, 0.00017%; no homozygotes.

Submission:

GeneDx
Classification: Uncertain significance. Last evaluated: 2019-07-03. Review status: criteria provided, single submitter. Criteria: GeneDx Variant Classification Process June 2021. Collection method: clinical testing. Allele origin: germline. Affected: yes.
Comment: Not observed in large population cohorts (Lek et al., 2016); Has not been previously published as pathogenic or benign to our knowledge